The following is an entry in ClinVar:

ClinVar aggregate classification (germline): Likely benign (0 of 4 stars; one submission).

Conditions:
MC3R-related disorder. Also called: MC3R-related condition.

Submission:

PreventionGenetics, part of Exact Sciences
Classification: Likely benign for MC3R-related condition. Last evaluated: 2021-06-18. Review status: no assertion criteria provided. Collection method: clinical testing. Allele origin: germline.
Comment: This variant is classified as likely benign based on ACMG/AMP sequence variant interpretation guidelines (Richards et al. 2015 PMID: 25741868, with internal and published modifications).

NM_019888.3(MC3R):c.705C>T (p.His235=)

Gene: MC3R (melanocortin 3 receptor; plus strand). Cytogenetic location: 20q13.2.
Variant type: single nucleotide variant.
Coding change: c.705C>T on transcript NM_019888.3 (MANE Select); coding-DNA position 705, C replaced by T.
Protein change: p.His235=; no amino-acid change (histidine 235 retained).
Molecular consequence: synonymous variant.
Genome position (GRCh38, 1-based): chr20:56,249,548, C>T. VCF-style: chr20-56249548-C-T. GRCh37 (hg19) VCF-style: chr20-54824604-C-T.
Identifiers: ClinVar variation 3357614 (VCV003357614.1).